The following is an entry in ClinVar:

NM_001368894.2(PAX6):c.1309T>C (p.Ter437Gln)

Genes: ELP4 (elongator acetyltransferase complex subunit 4; plus strand), PAX6 (paired box 6; minus strand). Cytogenetic location: 11p13.
Variant type: single nucleotide variant.
Coding change: c.1309T>C on transcript NM_001368894.2 (MANE Select); coding-DNA position 1309, T replaced by C.
Protein change: p.Ter437Gln.
Molecular consequence: stop lost. On other transcripts: 3 prime UTR variant (3), synonymous variant (9), non-coding transcript variant (2).
Genome position (GRCh38, 1-based): chr11:31,789,936, A>G on the plus strand (T>C on the coding strand, the complement: PAX6 is on the minus strand). VCF-style: chr11-31789936-A-G. GRCh37 (hg19) VCF-style: chr11-31811484-A-G.
Other names: *222Q; *448Q; *462Q; *287Q; *356Q; *370Q; *504Q; *423Q; and 18 more.
Identifiers: ClinVar variation 800482 (VCV000800482.40), dbSNP rs750848278, ClinGen allele CA379966783.

ClinVar aggregate classification (germline): Pathogenic/Likely pathogenic. Review status: criteria provided, multiple submitters, no conflicts (2 of 4 stars). 3 submissions from 3 submitters: Pathogenic (1); Likely pathogenic (1). 1 of the submissions does not count toward it. Last evaluated 2023-01-10.

Conditions:
Aniridia 1 (AN1). Identifiers: Orphanet 250923, MedGen C0344542, MONDO:0024507, OMIM 106210.

Submissions (3):

GeneDx
Classification: Likely pathogenic. Last evaluated: 2023-01-10. Review status: criteria provided, single submitter. Criteria: GeneDx Variant Classification Process June 2021. Collection method: clinical testing. Allele origin: germline. Affected: yes.
Comment: Normal stop codon changed to a Gln codon, leading to the addition of 14 amino acids at the C-terminus; Not observed at significant frequency in large population cohorts (gnomAD); This variant is associated with the following publications: (PMID: 32360764)

CeGaT Center for Human Genetics Tuebingen
Classification: Pathogenic. Last evaluated: 2020-05-01. Review status: criteria provided, single submitter. Criteria: CeGaT Center For Human Genetics Tuebingen Variant Classification Criteria Version 2. Collection method: clinical testing. Allele origin: germline. Affected: yes. Observed: 2 variant alleles.

Wessex Regional Genetics Laboratory, Salisbury District Hospital
Classification: Pathogenic for Aniridia 1. Last evaluated: 2019-08-15. Review status: no assertion criteria provided. Criteria: ACMG Guidelines, 2015. Collection method: clinical testing. Allele origin: inherited. Inheritance: Autosomal dominant inheritance. Affected: yes. Not counted in ClinVar's aggregate classification.